The following is an entry in ClinVar:

NM_001244008.2(KIF1A):c.2266-58G>A

Gene: KIF1A (kinesin family member 1A; minus strand). Cytogenetic location: 2q37.3.
Variant type: single nucleotide variant.
Coding change: c.2266-58G>A on transcript NM_001244008.2 (MANE Select); 58 bases into the intron before coding-DNA position 2266, G replaced by A.
Molecular consequence: intron variant.
Genome position (GRCh38, 1-based): chr2:240,760,901, C>T on the plus strand (G>A on the coding strand, the complement: KIF1A is on the minus strand). VCF-style: chr2-240760901-C-T. GRCh37 (hg19) VCF-style: chr2-241700318-C-T.
Other names: c.2239-58G>A (NM_001379653.1, NM_001379650.1, NM_001379645.1 and 10 more transcripts); c.2341-58G>A (NM_001379635.1, NM_001330290.2, NM_001379646.1 and 2 more transcripts); c.2314-58G>A (NM_001379637.1, NM_001379648.1); c.2266-58G>A (NM_001320705.2, NM_001379638.1, NM_001330289.2).
Identifiers: ClinVar variation 672928 (VCV000672928.2), dbSNP rs57057191, ClinGen allele CA11142919.

ClinVar aggregate classification (germline): Benign. Review status: criteria provided, multiple submitters, no conflicts (2 of 4 stars). 2 submissions from 2 submitters: Benign (2). Last evaluated 2018-06-19.

Allele frequency attached by ClinVar (database versions not stated): 1000 Genomes Project 0.04373; 1000 Genomes Project 30x 0.04575; gnomAD exomes 0.05170; gnomAD 0.05246 and 0.05417; TOPMed 0.05389.
gnomAD v4.1: 77,685 of 1,499,496 alleles (5.2%); highest among the groups gnomAD compares: African/African-American, 6.8%; 2,125 homozygotes.

Submissions (2):

GeneDx
Classification: Benign. Last evaluated: 2018-06-19. Review status: criteria provided, single submitter. Criteria: GeneDx Variant Classification (06012015). Collection method: clinical testing. Allele origin: germline. Affected: yes.
Comment: This variant is considered likely benign or benign based on one or more of the following criteria: it is a conservative change, it occurs at a poorly conserved position in the protein, it is predicted to be benign by multiple in silico algorithms, and/or has population frequency not consistent with disease.

Breakthrough Genomics
Classification: Benign. Review status: criteria provided, single submitter. Criteria: ACMG Guidelines, 2015. Collection method: not provided. Allele origin: germline. Inheritance: Autosomal recessive inheritance. Affected: yes.